The following is an entry in ClinVar:

NM_001197104.2(KMT2A):c.6298C>T (p.His2100Tyr)

Gene: KMT2A (lysine methyltransferase 2A; plus strand). Cytogenetic location: 11q23.3.
Variant type: single nucleotide variant.
Coding change: c.6298C>T on transcript NM_001197104.2 (MANE Select); coding-DNA position 6298, C replaced by T.
Protein change: p.His2100Tyr; replaces histidine 2100 with tyrosine.
Molecular consequence: missense variant.
Genome position (GRCh38, 1-based): chr11:118,501,126, C>T. VCF-style: chr11-118501126-C-T. GRCh37 (hg19) VCF-style: chr11-118371841-C-T.
Other names: c.6388C>T, p.His2130Tyr (NM_001412597.1); c.6289C>T, p.His2097Tyr (NM_005933.4); short protein forms H2097Y, H2100Y, H2130Y.
Identifiers: ClinVar variation 2430840 (VCV002430840.1), dbSNP rs2496979965, ClinGen allele CA382801291.

ClinVar aggregate classification (germline): Uncertain significance (1 of 4 stars; one submission).

Allele frequency attached by ClinVar (database versions not stated): gnomAD exomes below 0.00001.
gnomAD v4.1: 2 of 1,613,916 alleles (0.00012%); highest among the groups gnomAD compares: Non-Finnish European, 0.00017%; no homozygotes.

Submission:

GeneDx
Classification: Uncertain significance. Last evaluated: 2022-08-14. Review status: criteria provided, single submitter. Criteria: GeneDx Variant Classification Process June 2021. Collection method: clinical testing. Allele origin: germline. Affected: yes.
Comment: Not observed at significant frequency in large population cohorts (gnomAD); In silico analysis supports that this missense variant has a deleterious effect on protein structure/function; Has not been previously published as pathogenic or benign to our knowledge